The following is an entry in ClinVar:

ClinVar aggregate classification (germline): Uncertain significance (1 of 4 stars; one submission).

Conditions:
Combined oxidative phosphorylation defect type 11. Also called: ENCEPHALONEUROMYOPATHY, INFANTILE, DUE TO MITOCHONDRIAL TRANSLATION DEFECT; Combined oxidative phosphorylation deficiency 11. Identifiers: Orphanet 324535, MedGen C5190991, MONDO:0013969, OMIM 614922.

Submission:

3billion
Classification: Uncertain significance for Combined oxidative phosphorylation defect type 11. Last evaluated: 2025-01-09. Review status: criteria provided, single submitter. Criteria: ACMG Guidelines, 2015. Collection method: clinical testing. Allele origin: germline. Affected: yes.
Comment: The variant is not observed in the gnomAD v4.1.0 dataset. Predicted Consequence/Location: Missense variant Damaging effect on gene or gene product predicted by in silico programs is uncertain [REVEL: 0.40 (damaging >=0.6, benign <0.4), 3Cnet: 0.44 (damaging >=0.6, benign <0.15)]. Different missense changes at the same codon have been reported as of uncertain significance (ClinVar ID: VCV001029661). Therefore, this variant is classified as VUS according to the recommendation of ACMG/AMP guideline.

NM_017909.4(RMND1):c.529G>C (p.Ala177Pro)

Gene: RMND1 (required for meiotic nuclear division 1 homolog; minus strand). Cytogenetic location: 6q25.1.
Variant type: single nucleotide variant.
Coding change: c.529G>C on transcript NM_017909.4 (MANE Select); coding-DNA position 529, G replaced by C.
Protein change: p.Ala177Pro; replaces alanine 177 with proline.
Molecular consequence: missense variant.
Genome position (GRCh38, 1-based): chr6:151,436,530, C>G on the plus strand (G>C on the coding strand, the complement: RMND1 is on the minus strand). VCF-style: chr6-151436530-C-G. GRCh37 (hg19) VCF-style: chr6-151757665-C-G.
Other names: c.19G>C, p.Ala7Pro (NM_001271937.2); short protein forms A177P, A7P.
Identifiers: ClinVar variation 4293112 (VCV004293112.1).